The following is an entry in ClinVar:

ClinVar aggregate classification (germline): Likely benign (0 of 4 stars; one submission).

Conditions:
NXNL1-related disorder. Also called: NXNL1-related condition.

Allele frequency attached by ClinVar (database versions not stated): ExAC 0.00021.

Submission:

PreventionGenetics, part of Exact Sciences
Classification: Likely benign for NXNL1-related condition. Last evaluated: 2022-05-15. Review status: no assertion criteria provided. Collection method: clinical testing. Allele origin: germline.
Comment: This variant is classified as likely benign based on ACMG/AMP sequence variant interpretation guidelines (Richards et al. 2015 PMID: 25741868, with internal and published modifications).

NM_138454.2(NXNL1):c.618C>G (p.Gly206=)

Gene: NXNL1 (nucleoredoxin like 1; minus strand). Cytogenetic location: 19p13.11.
Variant type: single nucleotide variant.
Coding change: c.618C>G on transcript NM_138454.2 (MANE Select); coding-DNA position 618, C replaced by G.
Protein change: p.Gly206=; no amino-acid change (glycine 206 retained).
Molecular consequence: synonymous variant.
Genome position (GRCh38, 1-based): chr19:17,455,668, G>C on the plus strand (C>G on the coding strand, the complement: NXNL1 is on the minus strand). VCF-style: chr19-17455668-G-C. GRCh37 (hg19) VCF-style: chr19-17566477-G-C.
Identifiers: ClinVar variation 3038328 (VCV003038328.2), dbSNP rs773959663, ClinGen allele CA9294858.